The following is an entry in ClinVar:

NM_006767.4(LZTR1):c.1786-1G>T

Gene: LZTR1 (leucine zipper like post translational regulator 1; plus strand). Cytogenetic location: 22q11.21.
Variant type: single nucleotide variant.
Coding change: c.1786-1G>T on transcript NM_006767.4 (MANE Select); the canonical splice acceptor site of the intron before coding-DNA position 1786, G replaced by T.
Molecular consequence: splice acceptor variant.
Genome position (GRCh38, 1-based): chr22:20,994,869, G>T. VCF-style: chr22-20994869-G-T. GRCh37 (hg19) VCF-style: chr22-21349158-G-T.
Identifiers: ClinVar variation 1780089 (VCV001780089.4), dbSNP rs777083018, ClinGen allele CA410778445.
Genomic context (GRCh38, chr22:20,994,869, plus strand): 5'-CCTCGCCCAGCCTGGGGCCCTGGCTTGACTCTGCCTGCCTGCCTGTGCCTGTCTGCCCCA[G>T]GAGCACTGCCTGAACTTCGTGGTAAAGGAGTCCCACTTCAACCAGGTGATCATGATGAAG-3'

ClinVar aggregate classification (germline): Conflicting classifications of pathogenicity. Review status: criteria provided, conflicting classifications (1 of 4 stars). 2 submissions from 2 submitters: Pathogenic (1); Uncertain significance (1). Last evaluated 2026-02-01.

Conditions:
Hereditary cancer-predisposing syndrome. Also called: Neoplastic Syndromes, Hereditary; Tumor predisposition; Hereditary Cancer Syndrome; Hereditary neoplastic syndrome. Identifiers: Orphanet 140162, MedGen C0027672, MeSH D009386, MONDO:0015356.
Cardiovascular phenotype. Identifiers: MedGen CN230736.

Submissions (2):

Labcorp Genetics (formerly Invitae), Labcorp
Classification: Pathogenic. Last evaluated: 2026-02-01. Review status: criteria provided, single submitter. Criteria: Invitae Variant Classification Sherloc (09022015). Collection method: clinical testing. Allele origin: germline.
Comment: This sequence change affects an acceptor splice site in intron 15 of the LZTR1 gene. It is expected to disrupt RNA splicing. Variants that disrupt the donor or acceptor splice site typically lead to a loss of protein function (PMID: 16199547), and loss-of-function variants in LZTR1 are known to be pathogenic (PMID: 24362817, 25335493, 25480913, 25795793, 29469822, 30368668, 30442762, 30442766, 30481304, 30859559). This variant is not present in population databases (gnomAD no frequency). Disruption of this splice site has been observed in individuals with clinical features of schwannomatosis (PMID: 29384852; internal data). ClinVar contains an entry for this variant (Variation ID: 1780089). Algorithms developed to predict the effect of sequence changes on RNA splicing suggest that this variant may disrupt the consensus splice site. For these reasons, this variant has been classified as Pathogenic.

Ambry Genetics
Classification: Uncertain significance for Cardiovascular phenotype; Hereditary cancer-predisposing syndrome. Last evaluated: 2023-09-14. Review status: criteria provided, single submitter. Criteria: Ambry Variant Classification Scheme 2023. Collection method: clinical testing. Allele origin: germline.
Comment: The c.1786-1G>T intronic variant results from a G to T substitution one nucleotide upstream from coding exon 16 of the LZTR1 gene. Alterations that disrupt the canonical splice site are expected to cause aberrant splicing. In silico splice site analysis predicts that this alteration will weaken the native splice acceptor site and may result in the creation or strengthening of a novel splice acceptor site. RNA studies have demonstrated that this alteration results in a transcript predicted to lead to a protein with an in-frame deletion of 15 amino acids; however, the exact functional impact of the deleted amino acids is unknown at this time (Ambry internal data). This nucleotide position is highly conserved in available vertebrate species. Since supporting evidence is limited at this time, the clinical significance of this alteration remains unclear.

Literature cited by the submitters: PubMed 16199547 (cited by Labcorp Genetics (formerly Invitae), Labcorp); PubMed 24362817 (cited by Labcorp Genetics (formerly Invitae), Labcorp); PubMed 25335493 (cited by Labcorp Genetics (formerly Invitae), Labcorp); PubMed 25480913 (cited by Labcorp Genetics (formerly Invitae), Labcorp); PubMed 25795793 (cited by Labcorp Genetics (formerly Invitae), Labcorp); PubMed 29469822 (cited by Labcorp Genetics (formerly Invitae), Labcorp); PubMed 30368668 (cited by Labcorp Genetics (formerly Invitae), Labcorp); PubMed 30442762 (cited by Labcorp Genetics (formerly Invitae), Labcorp); PubMed 30442766 (cited by Labcorp Genetics (formerly Invitae), Labcorp); PubMed 30481304 (cited by Labcorp Genetics (formerly Invitae), Labcorp); PubMed 30859559 (cited by Labcorp Genetics (formerly Invitae), Labcorp); PubMed 29384852 (cited by Labcorp Genetics (formerly Invitae), Labcorp).